The following is an entry in ClinVar:

ClinVar aggregate classification (germline): Conflicting classifications of pathogenicity. Review status: criteria provided, conflicting classifications (1 of 4 stars). 2 submissions from 2 submitters: Uncertain significance (1); Likely benign (1). Last evaluated 2026-02-03.

Conditions:
Cutis laxa, X-linked (OHS). Also called: EDS IX; Occipital horn syndrome. Identifiers: Orphanet 198, MedGen C0268353, MONDO:0010572, OMIM 304150.
X-linked distal spinal muscular atrophy type 3. Also called: ATP7A-Related Distal Motor Neuropathy; NEURONOPATHY, DISTAL HEREDITARY MOTOR, X-LINKED; NEUROPATHY, DISTAL HEREDITARY MOTOR, X-LINKED; SPINAL MUSCULAR ATROPHY, DISTAL, X-LINKED RECESSIVE. Identifiers: Orphanet 139557, MedGen C1845359, MONDO:0010338, OMIM 300489.
Menkes kinky-hair syndrome (MNK). Also called: Classic Menkes Disease; Menkes Disease; Copper transport disease. Identifiers: Orphanet 565, MedGen C0022716, MONDO:0010651, OMIM 309400.

Allele frequency attached by ClinVar (database versions not stated): ExAC 0.00001; gnomAD 0.00001; gnomAD exomes 0.00002; TOPMed 0.00002.
gnomAD v4.1: 12 of 1,203,468 alleles (0.001%); highest among the groups gnomAD compares: Admixed American, 0.024%; no homozygotes.

Submissions (2):

Labcorp Genetics (formerly Invitae), Labcorp
Classification: Likely benign for X-linked distal spinal muscular atrophy type 3; Cutis laxa, X-linked; Menkes kinky-hair syndrome. Last evaluated: 2026-02-03. Review status: criteria provided, single submitter. Criteria: Invitae Variant Classification Sherloc (09022015). Collection method: clinical testing. Allele origin: germline.

GeneDx
Classification: Uncertain significance. Last evaluated: 2024-01-22. Review status: criteria provided, single submitter. Criteria: GeneDx Variant Classification Process June 2021. Collection method: clinical testing. Allele origin: germline. Affected: yes.
Comment: Has not been previously published as pathogenic or benign in association with an ATP7A-related disorder to our knowledge; In silico analysis supports that this missense variant does not alter protein structure/function; This variant is associated with the following publications: (PMID: 33151932)

NM_000052.7(ATP7A):c.202G>A (p.Asp68Asn)

Gene: ATP7A (ATPase copper transporting alpha; plus strand). Cytogenetic location: Xq21.1.
Variant type: single nucleotide variant.
Coding change: c.202G>A on transcript NM_000052.7 (MANE Select); coding-DNA position 202, G replaced by A.
Protein change: p.Asp68Asn; replaces aspartic acid 68 with asparagine.
Molecular consequence: missense variant.
Genome position (GRCh38, 1-based): chrX:77,988,323, G>A. VCF-style: chrX-77988323-G-A. GRCh37 (hg19) VCF-style: chrX-77243819-G-A.
Other names: c.202G>A, p.Asp68Asn (NM_001282224.2); c.202G>A (NM_000052.4); short protein forms D68N.
Identifiers: ClinVar variation 663285 (VCV000663285.12), dbSNP rs782629836, ClinGen allele CA10458894.